The following is an entry in ClinVar:

ClinVar aggregate classification (germline): Uncertain significance (1 of 4 stars; one submission).

Conditions:
Inborn genetic diseases. Identifiers: MedGen C0950123, MeSH D030342.

Submission:

Ambry Genetics
Classification: Uncertain significance for Inborn genetic diseases. Last evaluated: 2026-02-27. Review status: criteria provided, single submitter. Criteria: Ambry Variant Classification Scheme 2023. Collection method: clinical testing. Allele origin: germline.
Comment: The p.N449D variant (also known as c.1345A>G), located in coding exon 11 of the CEP57 gene, results from an A to G substitution at nucleotide position 1345. The asparagine at codon 449 is replaced by aspartic acid, an amino acid with highly similar properties. This amino acid position is conserved. In addition, this alteration is predicted to be tolerated by in silico analysis. Based on the available evidence, the clinical significance of this variant remains unclear.

NM_014679.5(CEP57):c.1345A>G (p.Asn449Asp)

Gene: CEP57 (centrosomal protein 57; plus strand). Cytogenetic location: 11q21.
Variant type: single nucleotide variant.
Coding change: c.1345A>G on transcript NM_014679.5 (MANE Select); coding-DNA position 1345, A replaced by G.
Protein change: p.Asn449Asp; replaces asparagine 449 with aspartic acid.
Molecular consequence: missense variant.
Genome position (GRCh38, 1-based): chr11:95,831,098, A>G. VCF-style: chr11-95831098-A-G. GRCh37 (hg19) VCF-style: chr11-95564262-A-G.
Other names: c.1318A>G, p.Asn440Asp (NM_001243776.2); c.1267A>G, p.Asn423Asp (NM_001243777.2); c.1264A>G, p.Asn422Asp (NM_001363604.2, NM_001440869.1, NM_001440870.1); c.1237A>G, p.Asn413Asp (NM_001440871.1); c.1228A>G, p.Asn410Asp (NM_001440872.1); c.1165A>G, p.Asn389Asp (NM_001440873.1); c.1159A>G, p.Asn387Asp (NM_001440874.1); c.1156A>G, p.Asn386Asp (NM_001440875.1); and 6 more; short protein forms N384D, N389D, N440D, N348D, N350D, N386D, N410D, N413D.
Identifiers: ClinVar variation 4826384 (VCV004826384.1).